The following is an entry in ClinVar:

ClinVar aggregate classification (germline): Uncertain significance (1 of 4 stars; one submission).

Conditions:
Hereditary cancer-predisposing syndrome. Also called: Hereditary neoplastic syndrome; Neoplastic Syndromes, Hereditary; Tumor predisposition; Hereditary Cancer Syndrome. Identifiers: Orphanet 140162, MedGen C0027672, MeSH D009386, MONDO:0015356.

Submission:

Ambry Genetics
Classification: Uncertain significance for Hereditary cancer-predisposing syndrome. Last evaluated: 2025-07-31. Review status: criteria provided, single submitter. Criteria: Ambry Variant Classification Scheme 2023. Collection method: clinical testing. Allele origin: germline.
Comment: The p.V1094L variant (also known as c.3280G>T), located in coding exon 19 of the PTCH1 gene, results from a G to T substitution at nucleotide position 3280. The valine at codon 1094 is replaced by leucine, an amino acid with highly similar properties. This amino acid position is conserved. In addition, this alteration is predicted to be deleterious by in silico analysis. Based on the available evidence, the clinical significance of this variant remains unclear.

NM_000264.5(PTCH1):c.3280G>T (p.Val1094Leu)

Gene: PTCH1 (patched 1; minus strand). Cytogenetic location: 9q22.32.
Variant type: single nucleotide variant.
Coding change: c.3280G>T on transcript NM_000264.5 (MANE Select); coding-DNA position 3280, G replaced by T.
Protein change: p.Val1094Leu; replaces valine 1094 with leucine.
Molecular consequence: missense variant. On other transcripts: non-coding transcript variant (1).
Genome position (GRCh38, 1-based): chr9:95,456,302, C>A on the plus strand (G>T on the coding strand, the complement: PTCH1 is on the minus strand). VCF-style: chr9-95456302-C-A. GRCh37 (hg19) VCF-style: chr9-98218584-C-A.
Other names: c.2827G>T, p.Val943Leu (NM_001083604.3, NM_001083605.3, NM_001083606.3 and 1 more transcripts); c.3124G>T, p.Val1042Leu (NM_001354918.2); c.3082G>T, p.Val1028Leu (NM_001083602.3); c.3277G>T, p.Val1093Leu (NM_001083603.3); short protein forms V1042L, V943L, V1028L, V1093L, V1094L.
Identifiers: ClinVar variation 4146824 (VCV004146824.1).
Genomic context (GRCh38, chr9:95,456,302, plus strand): 5'-TTCACAAAGTTTTTGCTTCAAATGTCTCCCATACCAAAGCAACGTGAACGGTGAACTCCA[C>A]TCCTATGCCAACAGAAGCGATCAGGATGACCACGGGCACGGCACTGAGCTTGATTCCGAT-3'
Protein context (NP_000255.2, residues 1084-1104): VILIASVGIG[Val1094Leu]EFTVHVALAF